The following is an entry in ClinVar:

ClinVar aggregate classification (germline): Conflicting classifications of pathogenicity. Review status: criteria provided, conflicting classifications (1 of 4 stars). 10 submissions from 9 submitters: Uncertain significance (3); Benign (2); Likely benign (3). 2 of the submissions do not count toward it. Last evaluated 2026-02-04.

Conditions:
Usher syndrome type 2D. Also called: USHER SYNDROME, TYPE IID. Identifiers: Orphanet 231178, Orphanet 886, MedGen C1568249, MONDO:0012662, OMIM 611383.
Autosomal recessive nonsyndromic hearing loss 31. Also called: WHIRLER, MOUSE, HOMOLOG OF. Identifiers: Orphanet 90636, MedGen C1846839, MONDO:0011767, OMIM 607084.

Allele frequency attached by ClinVar (database versions not stated): 1000 Genomes Project 0.00120; 1000 Genomes Project 30x 0.00125; ExAC 0.00242; gnomAD exomes 0.00247 and 0.00390; TOPMed 0.00265; gnomAD 0.00277 and 0.00294; ESP Exome Variant Server 0.00369.
gnomAD v4.1: 6,058 of 1,612,580 alleles (0.38%); highest among the groups gnomAD compares: Non-Finnish European, 0.46%; 15 homozygotes.

Submissions (10):

Labcorp Genetics (formerly Invitae), Labcorp
Classification: Benign. Last evaluated: 2026-02-04. Review status: criteria provided, single submitter. Criteria: Invitae Variant Classification Sherloc (09022015). Collection method: clinical testing. Allele origin: germline.

CeGaT Center for Human Genetics Tuebingen
Classification: Likely benign. Last evaluated: 2025-11-01. Review status: criteria provided, single submitter. Criteria: CeGaT Center For Human Genetics Tuebingen Variant Classification Criteria Version 2. Collection method: clinical testing. Allele origin: germline. Affected: yes. Observed: 4 variant alleles.
Comment: WHRN: BP4, BP7, BS2

Blueprint Genetics
Classification: Likely benign. Last evaluated: 2024-11-27. Review status: criteria provided, single submitter. Criteria: ACMG Guidelines, 2015. Collection method: clinical testing. Allele origin: germline.

GeneDx
Classification: Likely benign. Last evaluated: 2021-04-09. Review status: criteria provided, single submitter. Criteria: GeneDx Variant Classification Process June 2021. Collection method: clinical testing. Allele origin: germline. Affected: yes.

Eurofins Ntd Llc (ga)
Classification: Uncertain significance. Last evaluated: 2018-01-30. Review status: criteria provided, single submitter. Criteria: EGL Classification Definitions 2015. Collection method: clinical testing. Allele origin: germline. Observed: 7 variant alleles, 3 heterozygotes.

Illumina Laboratory Services, Illumina
Classification: Uncertain significance for Autosomal recessive nonsyndromic hearing loss 31. Last evaluated: 2018-01-13. Review status: criteria provided, single submitter. Criteria: ICSL Variant Classification Criteria 13 December 2019. Collection method: clinical testing. Allele origin: germline.

Illumina Laboratory Services, Illumina
Classification: Uncertain significance for Usher syndrome type 2D. Last evaluated: 2018-01-13. Review status: criteria provided, single submitter. Criteria: ICSL Variant Classification Criteria 13 December 2019. Collection method: clinical testing. Allele origin: germline.

Laboratory for Molecular Medicine, Mass General Brigham Personalized Medicine
Classification: Benign. Last evaluated: 2014-10-04. Review status: criteria provided, single submitter. Criteria: LMM Criteria. Collection method: clinical testing. Allele origin: germline. Observed: 11 variant alleles.
Comment: p.Ser455Ser in exon 6 of DFNB31: This variant is not likely to have clinical sig nificance because it does not alter an amino acid residue and is not located nea r a splice junction. In addition, it has been identified in 0.5% (41/8600) of Eu ropean American chromosomes and 0.15% (7/4406) of African American chromosomes b y the NHLBI Exome sequencing project (dbSNP rs111033459) .

Clinical Genetics DNA and cytogenetics Diagnostics Lab, Erasmus MC, Erasmus Medical Center
Classification: Likely benign. Review status: no assertion criteria provided. Collection method: clinical testing. Allele origin: germline. Affected: yes. Study: VKGL Data-share Consensus. Not counted in ClinVar's aggregate classification.

Clinical Genetics, Academic Medical Center
Classification: Benign. Review status: no assertion criteria provided. Collection method: clinical testing. Allele origin: germline. Affected: yes. Study: VKGL Data-share Consensus. Not counted in ClinVar's aggregate classification.

NM_015404.4(WHRN):c.1365T>C (p.Ser455=)

Gene: WHRN (whirlin; minus strand). Cytogenetic location: 9q32.
Variant type: single nucleotide variant.
Coding change: c.1365T>C on transcript NM_015404.4 (MANE Select); coding-DNA position 1365, T replaced by C.
Protein change: p.Ser455=; no amino-acid change (serine 455 retained).
Molecular consequence: synonymous variant.
Genome position (GRCh38, 1-based): chr9:114,424,385, A>G on the plus strand (T>C on the coding strand, the complement: WHRN is on the minus strand). VCF-style: chr9-114424385-A-G. GRCh37 (hg19) VCF-style: chr9-117186665-A-G.
Other names: c.216T>C, p.Ser72= (NM_001083885.3); c.1365T>C, p.Ser455= (NM_001173425.2); c.312T>C, p.Ser104= (NM_001346890.1).
Identifiers: ClinVar variation 45652 (VCV000045652.61), dbSNP rs111033459, ClinGen allele CA136878.